The following is an entry in ClinVar:

ClinVar aggregate classification (germline): Uncertain significance (1 of 4 stars; one submission).

Submission:

Labcorp Genetics (formerly Invitae), Labcorp
Classification: Uncertain significance. Last evaluated: 2025-11-04. Review status: criteria provided, single submitter. Criteria: Invitae Variant Classification Sherloc (09022015). Collection method: clinical testing. Allele origin: germline.
Comment: This sequence change replaces arginine, which is basic and polar, with leucine, which is neutral and non-polar, at codon 90 of the LHX3 protein (p.Arg90Leu). This variant is not present in population databases (gnomAD no frequency). This variant has not been reported in the literature in individuals affected with LHX3-related conditions. ClinVar contains an entry for this variant (Variation ID: 1370518). An algorithm developed to predict the effect of missense changes on protein structure and function (PolyPhen-2) suggests that this variant is likely to be disruptive. In summary, the available evidence is currently insufficient to determine the role of this variant in disease. Therefore, it has been classified as a Variant of Uncertain Significance.

NM_178138.6(LHX3):c.254G>T (p.Arg85Leu)

Gene: LHX3 (LIM homeobox 3; minus strand). Cytogenetic location: 9q34.3.
Variant type: single nucleotide variant.
Coding change: c.254G>T on transcript NM_178138.6 (MANE Select); coding-DNA position 254, G replaced by T.
Protein change: p.Arg85Leu; replaces arginine 85 with leucine.
Molecular consequence: missense variant.
Genome position (GRCh38, 1-based): chr9:136,199,878, C>A on the plus strand (G>T on the coding strand, the complement: LHX3 is on the minus strand). VCF-style: chr9-136199878-C-A. GRCh37 (hg19) VCF-style: chr9-139091724-C-A.
Other names: c.221G>T, p.Arg74Leu (NM_001363746.1); c.269G>T, p.Arg90Leu (NM_014564.5); short protein forms R90L, R85L, R74L.
Identifiers: ClinVar variation 1370518 (VCV001370518.6), dbSNP rs2131034828, ClinGen allele CA375520301.